The following is an entry in ClinVar:

NM_000059.4(BRCA2):c.7037del (p.Asn2346fs)

Gene: BRCA2 (BRCA2 DNA repair associated; plus strand). Cytogenetic location: 13q13.1.
Variant type: Deletion.
Coding change: c.7037del on transcript NM_000059.4 (MANE Select); coding-DNA position 7037, one base deleted (A; older notation c.7037delA).
Protein change: p.Asn2346fs; shifts the reading frame from asparagine 2346.
Molecular consequence: frameshift variant.
Genome position (GRCh38, 1-based): chr13:32,354,890, A deleted; the last of 2 consecutive A bases (chr13:32,354,889-32,354,890); deleting either gives the same sequence. VCF-style (leftmost placement, unchanged base first): chr13-32354888-GA-G. GRCh37 (hg19) VCF-style: chr13-32929025-GA-G.
Other names: c.7037delA (NM_000059.3); short protein forms N2346fs.
Identifiers: ClinVar variation 254594 (VCV000254594.12), dbSNP rs886038159, ClinGen allele CA10586567.

ClinVar aggregate classification (germline): Pathogenic. Review status: reviewed by expert panel (3 of 4 stars). 2 submissions from 2 submitters: Pathogenic (1). 1 of the submissions does not count toward it. Last evaluated 2016-09-08.

Conditions:
Hereditary breast ovarian cancer syndrome. Also called: Hereditary breast and ovarian cancer; Breast and ovarian cancer; Hereditary breast and/or ovarian cancer syndrome; BRCA1- and BRCA2-Associated Hereditary Breast and Ovarian Cancer; Hereditary breast and ovarian cancer syndrome; Hereditary breast and ovarian cancer syndrome (HBOC). Identifiers: Orphanet 145, MedGen C0677776, MeSH D061325, MONDO:0003582. Disease mechanism: loss of function.
Breast-ovarian cancer, familial, susceptibility to, 2 (BROVCA2). Also called: BRCA2 Hereditary Breast and Ovarian Cancer. Identifiers: Orphanet 145, MedGen C2675520, MONDO:0012933, OMIM 612555. Disease mechanism: loss of function.

Submissions (2):

Evidence-based Network for the Interpretation of Germline Mutant Alleles (ENIGMA)
Classification: Pathogenic for Breast-ovarian cancer, familial, susceptibility to, 2. Last evaluated: 2016-09-08. Review status: reviewed by expert panel. Criteria: ENIGMA BRCA1/2 Classification Criteria (2015). Collection method: curation. Allele origin: germline.
Comment: Variant allele predicted to encode a truncated non-functional protein.

Labcorp Genetics (formerly Invitae), Labcorp
Classification: Pathogenic for Hereditary breast ovarian cancer syndrome. Last evaluated: 2019-10-26. Review status: criteria provided, single submitter. Criteria: Invitae Variant Classification Sherloc (09022015). Collection method: clinical testing. Allele origin: germline. Not counted in ClinVar's aggregate classification.
Comment: This variant is not present in population databases (ExAC no frequency). For these reasons, this variant has been classified as Pathogenic. Loss-of-function variants in BRCA2 are known to be pathogenic (PMID: 20104584). This variant has been reported in individuals in the Leiden Open-source Variation Database (PMID: 21520333). ClinVar contains an entry for this variant (Variation ID: 254594). This sequence change creates a premature translational stop signal (p.Asn2346Ilefs*21) in the BRCA2 gene. It is expected to result in an absent or disrupted protein product.

Literature cited by the submitters: PubMed 20104584 (cited by Labcorp Genetics (formerly Invitae), Labcorp); PubMed 21520333 (cited by Labcorp Genetics (formerly Invitae), Labcorp).